The following is an entry in ClinVar:

ClinVar aggregate classification (germline): Pathogenic (1 of 4 stars; one submission).

Conditions:
Propionic acidemia (PROP). Also called: GLYCINEMIA, KETOTIC; HYPERGLYCINEMIA WITH KETOACIDOSIS AND LEUKOPENIA; KETOTIC HYPERGLYCINEMIA. Identifiers: Orphanet 35, MedGen C0268579, MONDO:0011628, OMIM 606054, HP:0003571.

Submission:

Labcorp Genetics (formerly Invitae), Labcorp
Classification: Pathogenic for Propionic acidemia. Last evaluated: 2022-09-12. Review status: criteria provided, single submitter. Criteria: Invitae Variant Classification Sherloc (09022015). Collection method: clinical testing. Allele origin: germline.
Comment: This variant is a gross deletion of the genomic region encompassing exon(s) 13-20 of the PCCA gene. This variant would be expected to be in-frame, preserving the integrity of the reading frame. A similar copy number variant has been observed in individual(s) with propionic acidemia (PMID: 19157943; Invitae). This variant disrupts the p.Pro423 amino acid residue in PCCA. Other variant(s) that disrupt this residue have been determined to be pathogenic (PMID: 10518292, 20549364, 22033733). This suggests that this residue is clinically significant, and that variants that disrupt this residue are likely to be disease-causing. For these reasons, this variant has been classified as Pathogenic.

Literature cited by the submitters: PubMed 19157943; PubMed 10518292; PubMed 20549364; PubMed 22033733.

NC_000013.11:g.(?_100301450)_(100425741_?)del

Gene: PCCA (propionyl-CoA carboxylase subunit alpha; plus strand). Cytogenetic location: 13q32.3.
Variant type: Deletion.
Identifiers: ClinVar variation 832181 (VCV000832181.2).